The following is an entry in ClinVar:

ClinVar aggregate classification (germline): Pathogenic/Likely pathogenic. Review status: criteria provided, multiple submitters, no conflicts (2 of 4 stars). 2 submissions from 2 submitters: Pathogenic (1); Likely pathogenic (1). Last evaluated 2024-10-23.

Conditions:
Developmental and epileptic encephalopathy, 62. Also called: Early infantile epileptic encephalopathy 62. Identifiers: MedGen C4693699, MONDO:0033371, OMIM 617938.

Submissions (3):

Labcorp Genetics (formerly Invitae), Labcorp
Classification: Pathogenic. Last evaluated: 2024-10-23. Review status: criteria provided, single submitter. Criteria: Invitae Variant Classification Sherloc (09022015). Collection method: clinical testing. Allele origin: germline.
Comment: This sequence change replaces threonine, which is neutral and polar, with isoleucine, which is neutral and non-polar, at codon 1486 of the SCN3A protein (p.Thr1486Ile). This variant is not present in population databases (gnomAD no frequency). This missense change has been observed in individual(s) with developmental and epileptic encephalopathy (PMID: 32515017). In at least one individual the variant was observed to be de novo. ClinVar contains an entry for this variant (Variation ID: 1329934). Invitae Evidence Modeling of protein sequence and biophysical properties (such as structural, functional, and spatial information, amino acid conservation, physicochemical variation, residue mobility, and thermodynamic stability) indicates that this missense variant is expected to disrupt SCN3A protein function with a positive predictive value of 95%. Experimental studies have shown that this missense change affects SCN3A function (PMID: 32515017). For these reasons, this variant has been classified as Pathogenic.

Institute of Human Genetics, University of Leipzig Medical Center
Classification: Likely pathogenic for Developmental and epileptic encephalopathy, 62. Last evaluated: 2021-12-21. Review status: criteria provided, single submitter. Criteria: ACMG Guidelines, 2015. Collection method: research. Allele origin: de novo. Affected: yes.

Channelopathy-Associated Epilepsy Research Center
No classification provided (evidence only). Condition: Developmental and epileptic encephalopathy. Review status: no classification provided. Collection method: literature only. Allele origin: not applicable. Functional consequence: Normal peak current, Normal slope of activation, Normal slope of fast inactivation, Normal voltage dependence of activation, Moderate depolarizing shift of voltage dependence of fast inactivation, Severe increase in persistent current, Moderate slowing of fast inactivation, Overall gain-of-function. Not counted in ClinVar's aggregate classification.
ClinVar note: "not provided" was previously submitted as the classification for the variant. However, the classification appeared to be based only on an observation of functional data so it was converted to no classification on 2025-07-30.

Literature cited by the submitters: PubMed 32515017 (cited by 3 submitters).

NM_006922.4(SCN3A):c.4457C>T (p.Thr1486Ile)

Gene: SCN3A (sodium voltage-gated channel alpha subunit 3; minus strand). Cytogenetic location: 2q24.3.
Variant type: single nucleotide variant.
Coding change: c.4457C>T on transcript NM_006922.4 (MANE Select); coding-DNA position 4457, C replaced by T.
Protein change: p.Thr1486Ile; replaces threonine 1486 with isoleucine.
Molecular consequence: missense variant.
Genome position (GRCh38, 1-based): chr2:165,094,453, G>A on the plus strand (C>T on the coding strand, the complement: SCN3A is on the minus strand). VCF-style: chr2-165094453-G-A. GRCh37 (hg19) VCF-style: chr2-165950963-G-A.
Other names: c.4310C>T, p.Thr1437Ile (NM_001081676.2, NM_001081677.2); short protein forms T1437I, T1486I.
Identifiers: ClinVar variation 1329934 (VCV001329934.9), dbSNP rs2105636234, ClinGen allele CA349020741.